The following is an entry in ClinVar:

NM_024747.6(HPS6):c.1046G>A (p.Ser349Asn)

Gene: HPS6 (HPS6 biogenesis of lysosomal organelles complex 2 subunit 3; plus strand). Cytogenetic location: 10q24.32.
Variant type: single nucleotide variant.
Coding change: c.1046G>A on transcript NM_024747.6 (MANE Select); coding-DNA position 1046, G replaced by A.
Protein change: p.Ser349Asn; replaces serine 349 with asparagine.
Molecular consequence: missense variant.
Genome position (GRCh38, 1-based): chr10:102,066,520, G>A. VCF-style: chr10-102066520-G-A. GRCh37 (hg19) VCF-style: chr10-103826277-G-A.
Other names: short protein forms S349N.
Identifiers: ClinVar variation 1997220 (VCV001997220.4), dbSNP rs2067971577, ClinGen allele CA377863868.

ClinVar aggregate classification (germline): Uncertain significance (1 of 4 stars; one submission).

gnomAD v4.1: 2 of 1,614,214 alleles (0.00012%); highest among the groups gnomAD compares: Non-Finnish European, 0.00017%; no homozygotes.

Submission:

Labcorp Genetics (formerly Invitae), Labcorp
Classification: Uncertain significance. Last evaluated: 2022-05-21. Review status: criteria provided, single submitter. Criteria: Invitae Variant Classification Sherloc (09022015). Collection method: clinical testing. Allele origin: germline.
Comment: This variant is not present in population databases (gnomAD no frequency). This sequence change replaces serine, which is neutral and polar, with asparagine, which is neutral and polar, at codon 349 of the HPS6 protein (p.Ser349Asn). This variant has not been reported in the literature in individuals affected with HPS6-related conditions. In summary, the available evidence is currently insufficient to determine the role of this variant in disease. Therefore, it has been classified as a Variant of Uncertain Significance. Algorithms developed to predict the effect of missense changes on protein structure and function output the following: SIFT: "Deleterious"; PolyPhen-2: "Benign"; Align-GVGD: "Class C0". The asparagine amino acid residue is found in multiple mammalian species, which suggests that this missense change does not adversely affect protein function.